The following is an entry in ClinVar:

ClinVar aggregate classification (germline): Uncertain significance (1 of 4 stars; one submission).

Conditions:
Juvenile polyposis syndrome (JPS). Identifiers: Orphanet 2929, MedGen C0345893, MONDO:0017380, OMIM 174900.

Allele frequency attached by ClinVar (database versions not stated): TOPMed below 0.00001.

Submission:

Labcorp Genetics (formerly Invitae), Labcorp
Classification: Uncertain significance for Juvenile polyposis syndrome. Last evaluated: 2026-01-26. Review status: criteria provided, single submitter. Criteria: Invitae Variant Classification Sherloc (09022015). Collection method: clinical testing. Allele origin: germline.
Comment: This sequence change replaces serine, which is neutral and polar, with arginine, which is basic and polar, at codon 218 of the BMPR1A protein (p.Ser218Arg). This variant is not present in population databases (gnomAD no frequency). This variant has not been reported in the literature in individuals affected with BMPR1A-related conditions. ClinVar contains an entry for this variant (Variation ID: 936096). Invitae Evidence Modeling of protein sequence and biophysical properties (such as structural, functional, and spatial information, amino acid conservation, physicochemical variation, residue mobility, and thermodynamic stability) indicates that this missense variant is not expected to disrupt BMPR1A protein function with a negative predictive value of 80%. In summary, the available evidence is currently insufficient to determine the role of this variant in disease. Therefore, it has been classified as a Variant of Uncertain Significance.

NM_004329.3(BMPR1A):c.654T>G (p.Ser218Arg)

Gene: BMPR1A (bone morphogenetic protein receptor type 1A; plus strand). Cytogenetic location: 10q23.2.
Variant type: single nucleotide variant.
Coding change: c.654T>G on transcript NM_004329.3 (MANE Select); coding-DNA position 654, T replaced by G.
Protein change: p.Ser218Arg; replaces serine 218 with arginine.
Molecular consequence: missense variant.
Genome position (GRCh38, 1-based): chr10:86,912,363, T>G. VCF-style: chr10-86912363-T-G. GRCh37 (hg19) VCF-style: chr10-88672120-T-G.
Other names: short protein forms S218R.
Identifiers: ClinVar variation 936096 (VCV000936096.10), dbSNP rs1843504209, ClinGen allele CA377455101.